The following is an entry in ClinVar:

ClinVar aggregate classification (germline): Conflicting classifications of pathogenicity. Review status: criteria provided, conflicting classifications (1 of 4 stars). 3 submissions from 3 submitters: Uncertain significance (2); Likely benign (1). Last evaluated 2025-12-20.

Conditions:
Inborn genetic diseases. Identifiers: MedGen C0950123, MeSH D030342.

Allele frequency attached by ClinVar (database versions not stated): gnomAD 0.00001; ExAC 0.00002; gnomAD exomes 0.00004 and 0.00005.
gnomAD v4.1: 72 of 1,613,946 alleles (0.0045%); highest among the groups gnomAD compares: Non-Finnish European, 0.0053%; no homozygotes.

Submissions (3):

Labcorp Genetics (formerly Invitae), Labcorp
Classification: Uncertain significance. Last evaluated: 2025-12-20. Review status: criteria provided, single submitter. Criteria: Invitae Variant Classification Sherloc (09022015). Collection method: clinical testing. Allele origin: germline.
Comment: This sequence change replaces aspartic acid, which is acidic and polar, with glutamic acid, which is acidic and polar, at codon 2614 of the VCAN protein (p.Asp2614Glu). This variant is present in population databases (rs754260975, gnomAD 0.006%). This missense change has been observed in individual(s) with clinical features of retinitis pigmentosa (internal data). ClinVar contains an entry for this variant (Variation ID: 1043560). An algorithm developed to predict the effect of missense changes on protein structure and function (PolyPhen-2) suggests that this variant is likely to be tolerated. In summary, the available evidence is currently insufficient to determine the role of this variant in disease. Therefore, it has been classified as a Variant of Uncertain Significance.

Ambry Genetics
Classification: Uncertain significance for Inborn genetic diseases. Last evaluated: 2025-01-30. Review status: criteria provided, single submitter. Criteria: Ambry Variant Classification Scheme 2023. Collection method: clinical testing. Allele origin: germline.

Blueprint Genetics
Classification: Likely benign. Last evaluated: 2024-08-06. Review status: criteria provided, single submitter. Criteria: ACMG Guidelines, 2015. Collection method: clinical testing. Allele origin: germline.

NM_004385.5(VCAN):c.7842T>A (p.Asp2614Glu)

Genes: VCAN (versican; plus strand), VCAN-AS1 (VCAN antisense RNA 1; minus strand). Cytogenetic location: 5q14.3.
Variant type: single nucleotide variant.
Coding change: c.7842T>A on transcript NM_004385.5 (MANE Select); coding-DNA position 7842, T replaced by A.
Protein change: p.Asp2614Glu; replaces aspartic acid 2614 with glutamic acid.
Molecular consequence: missense variant. On other transcripts: intron variant (2).
Genome position (GRCh38, 1-based): chr5:83,540,845, T>A. VCF-style: chr5-83540845-T-A. GRCh37 (hg19) VCF-style: chr5-82836664-T-A.
Other names: c.7842T>A (NM_004385.4); c.4881T>A, p.Asp1627Glu (NM_001164097.2); c.4004-4692T>A (NM_001164098.2); c.1043-4692T>A (NM_001126336.3); short protein forms D1627E, D2614E.
Identifiers: ClinVar variation 1043560 (VCV001043560.10), dbSNP rs754260975, ClinGen allele CA3333696.